The following is an entry in ClinVar:

ClinVar aggregate classification (germline): Likely benign (1 of 4 stars; one submission).

Conditions:
Catecholaminergic polymorphic ventricular tachycardia (CVPT). Also called: Catecholamine-induced polymorphic ventricular tachycardia. Identifiers: Orphanet 3286, MedGen C5574922, MONDO:0017990.

Allele frequency attached by ClinVar (database versions not stated): gnomAD exomes below 0.00001.
gnomAD v4.1: 6 of 1,610,350 alleles (0.00037%); highest among the groups gnomAD compares: South Asian, 0.0055%; no homozygotes.

Submission:

All of Us Research Program, National Institutes of Health
Classification: Likely benign for Catecholaminergic polymorphic ventricular tachycardia. Last evaluated: 2024-01-08. Review status: criteria provided, single submitter. Criteria: ACMG Guidelines, 2015. Collection method: clinical testing. Allele origin: germline. Inheritance: Autosomal dominant inheritance. Observed: 1 variant allele, 1 heterozygote.
Comment: This study involves interpretation of variants in research participants for the purpose of population health screening. Participant phenotype was not available at the time of variant classification. Additional details can be found in publication PMID: 35346344, PMCID: PMC8962531

NM_001035.3(RYR2):c.4152G>C (p.Leu1384=)

Genes: RYR2 (ryanodine receptor 2; plus strand), LOC126806067 (BRD4-independent group 4 enhancer GRCh37_chr1:237753258-237754457; plus strand). Cytogenetic location: 1q43.
Variant type: single nucleotide variant.
Coding change: c.4152G>C on transcript NM_001035.3 (MANE Select); coding-DNA position 4152, G replaced by C.
Protein change: p.Leu1384=; no amino-acid change (leucine 1384 retained).
Molecular consequence: synonymous variant.
Genome position (GRCh38, 1-based): chr1:237,590,984, G>C. VCF-style: chr1-237590984-G-C. GRCh37 (hg19) VCF-style: chr1-237754284-G-C.
Identifiers: ClinVar variation 3074805 (VCV003074805.1), dbSNP rs1453639568, ClinGen allele CA424030976.